The following is an entry in ClinVar:

ClinVar aggregate classification (germline): Pathogenic (1 of 4 stars; one submission).

Conditions:
Epilepsy, X-linked 1, with variable learning disabilities and behavior disorders. Also called: X-linked epilepsy-learning disabilities-behavior disorders syndrome. Identifiers: Orphanet 85294, MedGen C5774177, MONDO:0010339, OMIM 300491.

Submission:

Labcorp Genetics (formerly Invitae), Labcorp
Classification: Pathogenic for Epilepsy, X-linked 1, with variable learning disabilities and behavior disorders. Last evaluated: 2024-04-30. Review status: criteria provided, single submitter. Criteria: Invitae Variant Classification Sherloc (09022015). Collection method: clinical testing. Allele origin: germline.
Comment: This sequence change results in a frameshift in the SYN1 gene (p.Gly599Profs*84). While this is not anticipated to result in nonsense mediated decay, it is expected to disrupt the last 71 amino acid(s) of the SYN1 protein and extend the protein by 12 additional amino acid residues. The frequency data for this variant in the population databases is considered unreliable, as metrics indicate insufficient coverage at this position in the gnomAD database. This variant has not been reported in the literature in individuals affected with SYN1-related conditions. This variant disrupts a region of the SYN1 protein in which other variant(s) (p.Pro664Ser) have been determined to be pathogenic (Invitae). This suggests that this is a clinically significant region of the protein, and that variants that disrupt it are likely to be disease-causing. For these reasons, this variant has been classified as Pathogenic.

NM_006950.3(SYN1):c.1769_1790dup (p.Gly599fs)

Gene: SYN1 (synapsin I; minus strand). Cytogenetic location: Xp11.3.
Variant type: Duplication.
Coding change: c.1769_1790dup on transcript NM_006950.3 (MANE Select); coding-DNA positions 1769 to 1790, 22 bases duplicated (CGCCCCAGAAACCCCCAGGCCC).
Protein change: p.Gly599fs; shifts the reading frame from glycine 599.
Molecular consequence: frameshift variant.
Genome position (GRCh38, 1-based): chrX:47,574,194-47,574,215, GGGCCTGGGGGTTTCTGGGGCG duplicated on the plus strand (CGCCCCAGAAACCCCCAGGCCC on the coding strand, the reverse complement: SYN1 is on the minus strand); duplicating any 22 consecutive bases within chrX:47,574,194-47,574,217 gives the same sequence; the c. name uses the placement nearest the transcript's 3' end. VCF-style (leftmost placement, unchanged base first): chrX-47574193-T-TGGGCCTGGGGGTTTCTGGGGCG. GRCh37 (hg19) VCF-style: chrX-47433592-T-TGGGCCTGGGGGTTTCTGGGGCG.
Other names: c.1769_1790dup, p.Gly599fs (NM_133499.2); short protein forms G599fs.
Identifiers: ClinVar variation 3642869 (VCV003642869.2).